The following is an entry in ClinVar:

NM_020937.4(FANCM):c.1991C>G (p.Ser664Cys)

Gene: FANCM (FA complementation group M; plus strand). Cytogenetic location: 14q21.2.
Variant type: single nucleotide variant.
Coding change: c.1991C>G on transcript NM_020937.4 (MANE Select); coding-DNA position 1991, C replaced by G.
Protein change: p.Ser664Cys; replaces serine 664 with cysteine.
Molecular consequence: missense variant.
Genome position (GRCh38, 1-based): chr14:45,167,152, C>G. VCF-style: chr14-45167152-C-G. GRCh37 (hg19) VCF-style: chr14-45636355-C-G.
Other names: c.1913C>G, p.Ser638Cys (NM_001308133.2); c.1991C>G, p.Ser664Cys (NM_001308134.2); short protein forms S664C, S638C.
Identifiers: ClinVar variation 3848724 (VCV003848724.1).

ClinVar aggregate classification (germline): Uncertain significance (1 of 4 stars; one submission).

Conditions:
Inborn genetic diseases. Identifiers: MedGen C0950123, MeSH D030342.

Submission:

Ambry Genetics
Classification: Uncertain significance for Inborn genetic diseases. Last evaluated: 2025-02-11. Review status: criteria provided, single submitter. Criteria: Ambry Variant Classification Scheme 2023. Collection method: clinical testing. Allele origin: germline.
Comment: The p.S664C variant (also known as c.1991C>G), located in coding exon 11 of the FANCM gene, results from a C to G substitution at nucleotide position 1991. The serine at codon 664 is replaced by cysteine, an amino acid with dissimilar properties. This amino acid position is conserved. In addition, this alteration is predicted to be tolerated by in silico analysis. Based on the available evidence, the clinical significance of this variant remains unclear.